The following is an entry in ClinVar:

NM_001165963.4(SCN1A):c.5334del (p.Asn1779fs)

Genes: SCN1A (sodium voltage-gated channel alpha subunit 1; minus strand), LOC102724058 (uncharacterized LOC102724058; plus strand). Cytogenetic location: 2q24.3.
Variant type: Deletion.
Coding change: c.5334del on transcript NM_001165963.4 (MANE Select); coding-DNA position 5334, one base deleted (G; older notation c.5334delG).
Protein change: p.Asn1779fs; shifts the reading frame from asparagine 1779.
Molecular consequence: frameshift variant. On other transcripts: non-coding transcript variant (1).
Genome position (GRCh38, 1-based): chr2:165,991,941, C deleted on the plus strand (G on the coding strand, the reverse complement: SCN1A is on the minus strand). VCF-style (leftmost placement, unchanged base first): chr2-165991940-TC-T. GRCh37 (hg19) VCF-style: chr2-166848450-TC-T.
Other names: c.5250del, p.Asn1751fs (NM_001165964.3, NM_001353957.2, NM_001353958.2); c.5334del, p.Asn1779fs (NM_001202435.3, NM_001353948.2); c.5301del, p.Asn1768fs (NM_001353949.2, NM_001353950.2, NM_001353951.2 and 2 more transcripts); c.5298del, p.Asn1767fs (NM_001353954.2, NM_001353955.2); c.5247del, p.Asn1750fs (NM_001353960.2); c.2892del, p.Asn965fs (NM_001353961.2); short protein forms N965fs, N1750fs, N1767fs, N1779fs, N1751fs, N1768fs.
Identifiers: ClinVar variation 189946 (VCV000189946.1), dbSNP rs794726783, ClinGen allele CA303380.

ClinVar aggregate classification (germline): Pathogenic (1 of 4 stars; one submission).

Conditions:
Severe myoclonic epilepsy in infancy (DRVT). Also called: Epileptic encephalopathy, early infantile, 6 (Dravet syndrome); SEVERE MYOCLONIC EPILEPSY OF INFANCY; DEVELOPMENTAL AND EPILEPTIC ENCEPHALOPATHY 6A; Severe Myoclonic Epilepsy in Infancy (SMEI); Dravet syndrome. Identifiers: Orphanet 33069, MedGen C0751122, MONDO:0100135, OMIM 607208.

Submission:

Center for Bioinformatics, Peking University
Classification: Pathogenic for Dravet syndrome. Last evaluated: 2014-12-20. Review status: criteria provided, single submitter. Criteria: Xu et al. (Hum Mutat. 2015). Collection method: research. Allele origin: de novo. Affected: yes. Observed: 1 variant allele. Study: University Clinical Cooperation “985 Project” PKU-2014-1-1.
Comment: Dravet syndrome (DS) probands were recruited from the outpatient and inpatient child neurology units of Peking University First Hospital from 2005 till present. The study was approved by the Ethics Committee of Peking University First Hospital and the Institutional Review Board at Peking University. Participants or their parents provided written informed consent before enrollment. We collected a total of 267 mutations from 255 families with probands diagnosed with DS in China. All probands fulfilled the clinical diagnostic criteria.